The following is an entry in ClinVar:

NM_006506.5(RASA2):c.93T>G (p.Ser31Arg)

Genes: RASA2 (RAS p21 protein activator 2; plus strand), LOC129937686 (ATAC-STARR-seq lymphoblastoid silent region 14777; plus strand). Cytogenetic location: 3q23.
Variant type: single nucleotide variant.
Coding change: c.93T>G on transcript NM_006506.5 (MANE Select); coding-DNA position 93, T replaced by G.
Protein change: p.Ser31Arg; replaces serine 31 with arginine.
Molecular consequence: missense variant.
Genome position (GRCh38, 1-based): chr3:141,487,176, T>G. VCF-style: chr3-141487176-T-G. GRCh37 (hg19) VCF-style: chr3-141206018-T-G.
Other names: c.93T>G, p.Ser31Arg (NM_001303245.3, NM_001303246.3); short protein forms S31R.
Identifiers: ClinVar variation 2447625 (VCV002447625.2), dbSNP rs765891037, ClinGen allele CA2645088.

ClinVar aggregate classification (germline): Uncertain significance (1 of 4 stars; one submission).

Allele frequency attached by ClinVar (database versions not stated): gnomAD 0.00001; gnomAD exomes 0.00001; ExAC 0.00004.
gnomAD v4.1: 14 of 1,463,858 alleles (0.00096%); highest among the groups gnomAD compares: Non-Finnish European, 0.0013%; no homozygotes.

Submission:

Ambry Genetics
Classification: Uncertain significance. Last evaluated: 2023-01-18. Review status: criteria provided, single submitter. Criteria: Ambry Variant Classification Scheme 2023. Collection method: clinical testing. Allele origin: germline.
Comment: The p.S31R variant (also known as c.93T>G), located in coding exon 1 of the RASA2 gene, results from a T to G substitution at nucleotide position 93. The serine at codon 31 is replaced by arginine, an amino acid with dissimilar properties. This amino acid position is conserved. In addition, the in silico prediction for this alteration is inconclusive. Since supporting evidence is limited at this time, the clinical significance of this alteration remains unclear.